The following is an entry in ClinVar:

ClinVar aggregate classification (germline): Pathogenic (1 of 4 stars; one submission).

Submission:

CeGaT Center for Human Genetics Tuebingen
Classification: Pathogenic. Last evaluated: 2022-07-01. Review status: criteria provided, single submitter. Criteria: CeGaT Center For Human Genetics Tuebingen Variant Classification Criteria Version 2. Collection method: clinical testing. Allele origin: germline. Affected: yes. Observed: 1 variant allele.
Comment: CDH23: PVS1, PM2

NM_022124.6(CDH23):c.4453del (p.Leu1485fs)

Gene: CDH23 (cadherin related 23; plus strand). Cytogenetic location: 10q22.1.
Variant type: Deletion.
Coding change: c.4453del on transcript NM_022124.6 (MANE Select); coding-DNA position 4453, one base deleted (C; older notation c.4453delC).
Protein change: p.Leu1485fs; shifts the reading frame from leucine 1485.
Molecular consequence: frameshift variant.
Genome position (GRCh38, 1-based): chr10:71,739,737, C deleted; the last of 4 consecutive C bases (chr10:71,739,734-71,739,737); deleting any one gives the same sequence. VCF-style (leftmost placement, unchanged base first): chr10-71739733-GC-G. GRCh37 (hg19) VCF-style: chr10-73499490-GC-G.
Other names: short protein forms L1485fs.
Identifiers: ClinVar variation 1701137 (VCV001701137.31), dbSNP rs776986046, ClinGen allele CA2580081839.